The following is an entry in ClinVar:

NM_016213.5(TRIP4):c.898A>G (p.Lys300Glu)

Gene: TRIP4 (thyroid hormone receptor interactor 4; plus strand). Cytogenetic location: 15q22.31.
Variant type: single nucleotide variant.
Coding change: c.898A>G on transcript NM_016213.5 (MANE Select); coding-DNA position 898, A replaced by G.
Protein change: p.Lys300Glu; replaces lysine 300 with glutamic acid.
Molecular consequence: missense variant. On other transcripts: non-coding transcript variant (1).
Genome position (GRCh38, 1-based): chr15:64,409,683, A>G. VCF-style: chr15-64409683-A-G. GRCh37 (hg19) VCF-style: chr15-64701882-A-G.
Other names: c.208A>G, p.Lys70Glu (NM_001321924.2); short protein forms K70E, K300E.
Identifiers: ClinVar variation 1963102 (VCV001963102.5), dbSNP rs2505434240, ClinGen allele CA392821303.
Genomic context (GRCh38, chr15:64,409,683, plus strand): 5'-ACCCAAGTCATTGATGATGAGTCAGATTACTTTGCCAGTGATTCTAACCAATGGTTGTCC[A>G]AACTTGAGCGGGAAACCTTGCAGAAGCGAGAGGAGGAGCTGAGAGAACTTCGACACGCCT-3'
Protein context (NP_057297.2, residues 290-310): FASDSNQWLS[Lys300Glu]LERETLQKRE

ClinVar aggregate classification (germline): Uncertain significance (1 of 4 stars; one submission).

Allele frequency attached by ClinVar (database versions not stated): gnomAD exomes below 0.00001.
gnomAD v4.1: 1 of 1,614,218 alleles (0.000062%); highest among the groups gnomAD compares: South Asian, 0.0011%; no homozygotes.

Submission:

Labcorp Genetics (formerly Invitae), Labcorp
Classification: Uncertain significance. Last evaluated: 2024-10-30. Review status: criteria provided, single submitter. Criteria: Invitae Variant Classification Sherloc (09022015). Collection method: clinical testing. Allele origin: germline.
Comment: This sequence change replaces lysine, which is basic and polar, with glutamic acid, which is acidic and polar, at codon 300 of the TRIP4 protein (p.Lys300Glu). This variant is not present in population databases (gnomAD no frequency). This variant has not been reported in the literature in individuals affected with TRIP4-related conditions. ClinVar contains an entry for this variant (Variation ID: 1963102). Invitae Evidence Modeling of protein sequence and biophysical properties (such as structural, functional, and spatial information, amino acid conservation, physicochemical variation, residue mobility, and thermodynamic stability) indicates that this missense variant is not expected to disrupt TRIP4 protein function with a negative predictive value of 80%. In summary, the available evidence is currently insufficient to determine the role of this variant in disease. Therefore, it has been classified as a Variant of Uncertain Significance.